The following is an entry in ClinVar:

ClinVar aggregate classification (germline): Uncertain significance (1 of 4 stars; one submission).

Conditions:
Frontotemporal dementia (FTD1). Also called: MULTIPLE SYSTEM TAUOPATHY WITH PRESENILE DEMENTIA; WILHELMSEN-LYNCH DISEASE; Dementia, frontotemporal, with or without parkinsonism; Frontotemporal lobe dementia (FLDEM); FRONTOTEMPORAL LOBAR DEGENERATION WITH TAU INCLUSIONS; FTLD WITH TAU INCLUSIONS. Identifiers: Orphanet 282, MedGen C0338451, MONDO:0017276, OMIM 600274, HP:0002145.

Submission:

Labcorp Genetics (formerly Invitae), Labcorp
Classification: Uncertain significance for Frontotemporal dementia. Last evaluated: 2023-07-02. Review status: criteria provided, single submitter. Criteria: Invitae Variant Classification Sherloc (09022015). Collection method: clinical testing. Allele origin: germline.
Comment: This variant has not been reported in the literature in individuals affected with MAPT-related conditions. In summary, the available evidence is currently insufficient to determine the role of this variant in disease. Therefore, it has been classified as a Variant of Uncertain Significance. Algorithms developed to predict the effect of sequence changes on RNA splicing suggest that this variant may disrupt the consensus splice site. This variant is not present in population databases (gnomAD no frequency). This sequence change falls in intron 8 of the MAPT gene. It does not directly change the encoded amino acid sequence of the MAPT protein.

NM_001377265.1(MAPT):c.1999-9C>G

Gene: MAPT (microtubule associated protein tau). Cytogenetic location: 17q21.31.
Variant type: single nucleotide variant.
Coding change: c.1999-9C>G on transcript NM_001377265.1 (MANE Select); 9 bases into the intron before coding-DNA position 1999, C replaced by G.
Molecular consequence: intron variant.
Genome position (GRCh38, 1-based): chr17:46,010,301, C>G. VCF-style: chr17-46010301-C-G. GRCh37 (hg19) VCF-style: chr17-44087667-C-G.
Other names: c.649-3942C>G (NM_001377268.1, NM_016841.5); c.1828-9C>G (NM_001123066.4); c.1774-9C>G (NM_016835.5); c.823-9C>G (NM_005910.6); c.823-3942C>G (NM_001203252.2); c.1801-3942C>G (NM_001377266.1); c.736-9C>G (NM_001123067.4); c.736-3942C>G (NM_001203251.2, NM_001377267.1); and 1 more.
Identifiers: ClinVar variation 2719290 (VCV002719290.3), dbSNP rs2510146501, ClinGen allele CA2697560315.